The following is an entry in ClinVar:

NM_005159.5(ACTC1):c.809-1G>A

Genes: ACTC1 (actin alpha cardiac muscle 1; minus strand), GJD2-DT (GJD2 divergent transcript; plus strand). Cytogenetic location: 15q14.
Variant type: single nucleotide variant.
Coding change: c.809-1G>A on transcript NM_005159.5 (MANE Select); the canonical splice acceptor site of the intron before coding-DNA position 809, G replaced by A.
Molecular consequence: splice acceptor variant.
Genome position (GRCh38, 1-based): chr15:34,791,296, C>T on the plus strand (G>A on the coding strand, the complement: ACTC1 is on the minus strand). VCF-style: chr15-34791296-C-T. GRCh37 (hg19) VCF-style: chr15-35083497-C-T.
Other names: c.809-1G>A (NM_001406483.1, NM_001406482.1); c.368-1G>A (NM_001406485.1); c.674-1G>A (NM_001406484.1).
Identifiers: ClinVar variation 1172325 (VCV001172325.2), dbSNP rs1566967122, ClinGen allele CA391629675.

ClinVar aggregate classification (germline): Uncertain significance (1 of 4 stars; one submission).

Conditions:
Cardiomyopathy (CMYO). Also called: Cardiomyopathies. Identifiers: Orphanet 167848, MedGen C0878544, MONDO:0004994, HP:0001638. Inheritance: Various modes of inheritance.

Allele frequency attached by ClinVar (database versions not stated): gnomAD exomes below 0.00001.
gnomAD v4.1: 1 of 1,576,920 alleles (0.000063%); highest among the groups gnomAD compares: Non-Finnish European, 0.000087%; no homozygotes.

Submission:

Color Diagnostics, LLC DBA Color Health
Classification: Uncertain significance for Cardiomyopathy. Last evaluated: 2020-06-22. Review status: criteria provided, single submitter. Criteria: ACMG Guidelines, 2015. Collection method: clinical testing. Allele origin: germline.
Comment: This variant causes a G to A nucleotide substitution at the -1 position of intron 5 of the ACTC1 gene. Splice prediction tools suggest that this variant may disrupt RNA splicing. To our knowledge, functional studies have not been reported for this variant. This variant has not been reported in individuals affected with cardiovascular disorders in the literature. This variant has been identified in 1/246456 chromosomes in the general population by the Genome Aggregation Database (gnomAD). Clinical relevance of loss-of-function truncation and splice variants in the ACTC1 gene is not clearly established. The available evidence is insufficient to determine the role of this variant in disease conclusively. Therefore, this variant is classified as a Variant of Uncertain Significance.